The following is an entry in ClinVar:

ClinVar aggregate classification (germline): Uncertain significance (1 of 4 stars; one submission).

Conditions:
Fanconi anemia (FA). Also called: Fanconi's anemia. Identifiers: Orphanet 84, MedGen C0015625, MeSH D005199, MONDO:0019391.

Submission:

Labcorp Genetics (formerly Invitae), Labcorp
Classification: Uncertain significance for Fanconi anemia. Last evaluated: 2021-02-27. Review status: criteria provided, single submitter. Criteria: Invitae Variant Classification Sherloc (09022015). Collection method: clinical testing. Allele origin: germline.
Comment: This sequence change replaces alanine with threonine at codon 1399 of the FANCA protein (p.Ala1399Thr). The alanine residue is highly conserved and there is a small physicochemical difference between alanine and threonine. This variant is not present in population databases (ExAC no frequency). This variant has not been reported in the literature in individuals with FANCA-related conditions. Advanced modeling of protein sequence and biophysical properties (such as structural, functional, and spatial information, amino acid conservation, physicochemical variation, residue mobility, and thermodynamic stability) performed at Invitae indicates that this missense variant is expected to disrupt FANCA protein function. In summary, the available evidence is currently insufficient to determine the role of this variant in disease. Therefore, it has been classified as a Variant of Uncertain Significance.

NM_000135.4(FANCA):c.4195G>A (p.Ala1399Thr)

Genes: FANCA (FA complementation group A; minus strand), ZNF276 (zinc finger protein 276; plus strand). Cytogenetic location: 16q24.3.
Variant type: single nucleotide variant.
Coding change: c.4195G>A on transcript NM_000135.4 (MANE Select); coding-DNA position 4195, G replaced by A.
Protein change: p.Ala1399Thr; replaces alanine 1399 with threonine.
Molecular consequence: missense variant. On other transcripts: 3 prime UTR variant (2), non-coding transcript variant (4).
Genome position (GRCh38, 1-based): chr16:89,738,947, C>T on the plus strand (G>A on the coding strand, the complement: FANCA is on the minus strand). VCF-style: chr16-89738947-C-T. GRCh37 (hg19) VCF-style: chr16-89805355-C-T.
Other names: c.4199G>A, p.Ser1400Asn (NM_001286167.3); c.*701C>T (NM_001113525.2, NM_152287.4); short protein forms A1399T, S1400N.
Identifiers: ClinVar variation 1362014 (VCV001362014.8), dbSNP rs749574677, ClinGen allele CA397483625.